The following is an entry in ClinVar:

ClinVar aggregate classification (germline): Likely pathogenic (1 of 4 stars; one submission).

Conditions:
Cardiac anomalies - developmental delay - facial dysmorphism syndrome (MRFACD). Also called: MED13L Syndrome; Impaired intellectual development and distinctive facial features with or without cardiac defects. Identifiers: Orphanet 369891, MedGen C5192431, MONDO:0014773, OMIM 616789.

Submission:

Human Genetics Bochum, Ruhr University Bochum
Classification: Likely pathogenic for Cardiac anomalies - developmental delay - facial dysmorphism syndrome. Last evaluated: 2024-07-02. Review status: criteria provided, single submitter. Criteria: ACMG Guidelines, 2015. Collection method: clinical testing. Allele origin: germline. Affected: yes.
Comment: ACMG criteria used to clasify this variant: PVS1, PM2_SUP

NM_015335.5(MED13L):c.5662C>T (p.Gln1888Ter)

Gene: MED13L (mediator complex subunit 13L; minus strand). Cytogenetic location: 12q24.21.
Variant type: single nucleotide variant.
Coding change: c.5662C>T on transcript NM_015335.5 (MANE Select); coding-DNA position 5662, C replaced by T.
Protein change: p.Gln1888Ter; replaces glutamine 1888 with a stop codon.
Molecular consequence: nonsense.
Genome position (GRCh38, 1-based): chr12:115,975,240, G>A on the plus strand (C>T on the coding strand, the complement: MED13L is on the minus strand). VCF-style: chr12-115975240-G-A. GRCh37 (hg19) VCF-style: chr12-116413045-G-A.
Other names: short protein forms Q1888*.
Identifiers: ClinVar variation 4687972 (VCV004687972.1).